The following is an entry in ClinVar:

NM_006393.3(NEBL):c.640C>A (p.Pro214Thr)

Gene: NEBL (nebulette; minus strand). Cytogenetic location: 10p12.31.
Variant type: single nucleotide variant.
Coding change: c.640C>A on transcript NM_006393.3 (MANE Select); coding-DNA position 640, C replaced by A.
Protein change: p.Pro214Thr; replaces proline 214 with threonine.
Molecular consequence: missense variant. On other transcripts: intron variant (9).
Genome position (GRCh38, 1-based): chr10:20,868,708, G>T on the plus strand (C>A on the coding strand, the complement: NEBL is on the minus strand). VCF-style: chr10-20868708-G-T. GRCh37 (hg19) VCF-style: chr10-21157637-G-T.
Other names: c.250-55768C>A (NM_001377326.1, NM_001377327.1, NM_001377328.1); c.358-55768C>A (NM_213569.2, NM_001173484.2, NM_001377322.1); c.301-55768C>A (NM_001377324.1); c.292-55768C>A (NM_001377325.1); c.310-55768C>A (NM_001377323.1); short protein forms P214T.
Identifiers: ClinVar variation 1753367 (VCV001753367.2), dbSNP rs1392632186, ClinGen allele CA376103207.

ClinVar aggregate classification (germline): Uncertain significance (1 of 4 stars; one submission).

Submission:

Ambry Genetics
Classification: Uncertain significance. Last evaluated: 2021-10-19. Review status: criteria provided, single submitter. Criteria: Ambry Variant Classification Scheme 2023. Collection method: clinical testing. Allele origin: germline.
Comment: The p.P214T variant (also known as c.640C>A), located in coding exon 7 of the NEBL gene, results from a C to A substitution at nucleotide position 640. The proline at codon 214 is replaced by threonine, an amino acid with highly similar properties. This amino acid position is conserved. In addition, the in silico prediction for this alteration is inconclusive. Since supporting evidence is limited at this time, the clinical significance of this alteration remains unclear.